The following is an entry in ClinVar:

NM_000369.5(TSHR):c.1330T>C (p.Tyr444His)

Genes: TSHR (thyroid stimulating hormone receptor; plus strand), TSHR-AS1 (TSHR antisense RNA 1; minus strand). Cytogenetic location: 14q31.1.
Variant type: single nucleotide variant.
Coding change: c.1330T>C on transcript NM_000369.5 (MANE Select); coding-DNA position 1330, T replaced by C.
Protein change: p.Tyr444His; replaces tyrosine 444 with histidine.
Molecular consequence: missense variant.
Genome position (GRCh38, 1-based): chr14:81,143,388, T>C. VCF-style: chr14-81143388-T-C. GRCh37 (hg19) VCF-style: chr14-81609732-T-C.
Other names: short protein forms Y444H.
Identifiers: ClinVar variation 4192326 (VCV004192326.2).

ClinVar aggregate classification (germline): Uncertain significance. Review status: criteria provided, multiple submitters, no conflicts (2 of 4 stars). 2 submissions from 2 submitters: Uncertain significance (2). Last evaluated 2026-02-09.

Conditions:
Inborn genetic diseases. Identifiers: MedGen C0950123, MeSH D030342.

gnomAD v4.1: 40 of 1,614,072 alleles (0.0025%); highest among the groups gnomAD compares: Middle Eastern, 0.033%; 1 homozygote.

Submissions (2):

GeneDx
Classification: Uncertain significance. Last evaluated: 2026-02-09. Review status: criteria provided, single submitter. Criteria: GeneDx Variant Classification Process June 2021. Collection method: clinical testing. Allele origin: germline.
Comment: Reported in an individual with hypothyroidism (Ahmed FAW et al. (2014) Iraqi Journal of Biotechnologies. 13 (2)); In silico analysis supports that this missense variant has a deleterious effect on protein structure/function; This variant is associated with the following publications: (PMID: Ahmed2014[Case Report])

Ambry Genetics
Classification: Uncertain significance for Inborn genetic diseases. Last evaluated: 2025-08-28. Review status: criteria provided, single submitter. Criteria: Ambry Variant Classification Scheme 2023. Collection method: clinical testing. Allele origin: germline.